The following is an entry in ClinVar:

ClinVar aggregate classification (germline): Uncertain significance (1 of 4 stars; one submission).

Conditions:
Primary dilated cardiomyopathy (DCM). Also called: Dilated Cardiomyopathy. Identifiers: Orphanet 217604, MedGen C0007193, MeSH D002311, MONDO:0005021, HP:0001644. Inheritance: Various modes of inheritance.

Submission:

Labcorp Genetics (formerly Invitae), Labcorp
Classification: Uncertain significance for Primary dilated cardiomyopathy. Last evaluated: 2023-09-05. Review status: criteria provided, single submitter. Criteria: Invitae Variant Classification Sherloc (09022015). Collection method: clinical testing. Allele origin: germline.
Comment: This sequence change replaces glycine, which is neutral and non-polar, with valine, which is neutral and non-polar, at codon 495 of the TXNRD2 protein (p.Gly495Val). In summary, the available evidence is currently insufficient to determine the role of this variant in disease. Therefore, it has been classified as a Variant of Uncertain Significance. Advanced modeling of protein sequence and biophysical properties (such as structural, functional, and spatial information, amino acid conservation, physicochemical variation, residue mobility, and thermodynamic stability) performed at Invitae indicates that this missense variant is expected to disrupt TXNRD2 protein function. This variant has not been reported in the literature in individuals affected with TXNRD2-related conditions. This variant is not present in population databases (gnomAD no frequency).

NM_006440.5(TXNRD2):c.1484G>T (p.Gly495Val)

Gene: TXNRD2 (thioredoxin reductase 2; minus strand). Cytogenetic location: 22q11.21.
Variant type: single nucleotide variant.
Coding change: c.1484G>T on transcript NM_006440.5 (MANE Select); coding-DNA position 1484, G replaced by T.
Protein change: p.Gly495Val; replaces glycine 495 with valine.
Molecular consequence: missense variant. On other transcripts: non-coding transcript variant (1).
Genome position (GRCh38, 1-based): chr22:19,877,196, C>A on the plus strand (G>T on the coding strand, the complement: TXNRD2 is on the minus strand). VCF-style: chr22-19877196-C-A. GRCh37 (hg19) VCF-style: chr22-19864719-C-A.
Other names: c.1481G>T, p.Gly494Val (NM_001352300.2); c.1394G>T, p.Gly465Val (NM_001352301.2); c.1196G>T, p.Gly399Val (NM_001352302.2); short protein forms G495V, G399V, G494V, G465V.
Identifiers: ClinVar variation 2867622 (VCV002867622.3), dbSNP rs773949487, ClinGen allele CA410691599.